The following is an entry in ClinVar:

ClinVar aggregate classification (germline): Likely benign (0 of 4 stars; one submission).

Conditions:
SLC52A3-related disorder. Also called: SLC52A3-related condition.

Submission:

PreventionGenetics, part of Exact Sciences
Classification: Likely benign for SLC52A3-related condition. Last evaluated: 2019-06-07. Review status: no assertion criteria provided. Collection method: clinical testing. Allele origin: germline.
Comment: This variant is classified as likely benign based on ACMG/AMP sequence variant interpretation guidelines (Richards et al. 2015 PMID: 25741868, with internal and published modifications).

NM_033409.4(SLC52A3):c.-6A>C

Gene: SLC52A3 (solute carrier family 52 member 3; minus strand). Cytogenetic location: 20p13.
Variant type: single nucleotide variant.
Coding change: c.-6A>C on transcript NM_033409.4 (MANE Select); 6 bases upstream of the start codon, A replaced by C.
Molecular consequence: 5 prime UTR variant.
Genome position (GRCh38, 1-based): chr20:765,780, T>G on the plus strand (A>C on the coding strand, the complement: SLC52A3 is on the minus strand). VCF-style: chr20-765780-T-G. GRCh37 (hg19) VCF-style: chr20-746424-T-G.
Other names: c.-6A>C (NM_001370085.1, NM_001370086.1).
Identifiers: ClinVar variation 3043689 (VCV003043689.2), dbSNP rs1986667328, ClinGen allele CA1014680947.